The following is an entry in ClinVar:

NM_000057.4(BLM):c.2303A>C (p.Glu768Ala)

Gene: BLM (BLM RecQ like helicase; plus strand). Cytogenetic location: 15q26.1.
Variant type: single nucleotide variant.
Coding change: c.2303A>C on transcript NM_000057.4 (MANE Select); coding-DNA position 2303, A replaced by C.
Protein change: p.Glu768Ala; replaces glutamic acid 768 with alanine.
Molecular consequence: missense variant.
Genome position (GRCh38, 1-based): chr15:90,767,019, A>C. VCF-style: chr15-90767019-A-C. GRCh37 (hg19) VCF-style: chr15-91310249-A-C.
Other names: c.2303A>C, p.Glu768Ala (NM_001287246.2, NM_001287247.2); c.1178A>C, p.Glu393Ala (NM_001287248.2); short protein forms E393A, E768A.
Identifiers: ClinVar variation 4804278 (VCV004804278.1).

ClinVar aggregate classification (germline): Uncertain significance (1 of 4 stars; one submission).

Conditions:
Bloom syndrome (BLM). Also called: Bloom-Torre-Machacek syndrome. Identifiers: Orphanet 125, MedGen C0005859, MONDO:0008876, OMIM 210900.

Submission:

Labcorp Genetics (formerly Invitae), Labcorp
Classification: Uncertain significance for Bloom syndrome. Last evaluated: 2025-10-14. Review status: criteria provided, single submitter. Criteria: Invitae Variant Classification Sherloc (09022015). Collection method: clinical testing. Allele origin: germline.
Comment: This sequence change replaces glutamic acid, which is acidic and polar, with alanine, which is neutral and non-polar, at codon 768 of the BLM protein (p.Glu768Ala). This variant is not present in population databases (gnomAD no frequency). This variant has not been reported in the literature in individuals affected with BLM-related conditions. Invitae Evidence Modeling of protein sequence and biophysical properties (such as structural, functional, and spatial information, amino acid conservation, physicochemical variation, residue mobility, and thermodynamic stability) indicates that this missense variant is expected to disrupt BLM protein function with a positive predictive value of 80%. In summary, the available evidence is currently insufficient to determine the role of this variant in disease. Therefore, it has been classified as a Variant of Uncertain Significance.